The following is an entry in ClinVar:

NM_001349.4(DARS1):c.433A>G (p.Ile145Val)

Gene: DARS1 (aspartyl-tRNA synthetase 1; minus strand). Cytogenetic location: 2q21.3.
Variant type: single nucleotide variant.
Coding change: c.433A>G on transcript NM_001349.4 (MANE Select); coding-DNA position 433, A replaced by G.
Protein change: p.Ile145Val; replaces isoleucine 145 with valine.
Molecular consequence: missense variant.
Genome position (GRCh38, 1-based): chr2:135,933,981, T>C on the plus strand (A>G on the coding strand, the complement: DARS1 is on the minus strand). VCF-style: chr2-135933981-T-C. GRCh37 (hg19) VCF-style: chr2-136691551-T-C.
Other names: c.133A>G, p.Ile45Val (NM_001293312.1); c.433A>G (NM_001349.2); short protein forms I145V, I45V.
Identifiers: ClinVar variation 1912788 (VCV001912788.5), dbSNP rs538622366, ClinGen allele CA1889816.
Genomic context (GRCh38, chr2:135,933,981, plus strand): 5'-CTGCCTCAGGCCGAACAGCATCATCCAGCTGCAGGGGCAGACGGGGTTCAGCCAAACTGA[T>C]CACATAAATCTGTAAGTGAGAGATTACCAAAAATAGTAGAAAGCACACAAAATCTGCATC-3'
Protein context (NP_001340.2, residues 135-155): VELHVQKIYV[Ile145Val]SLAEPRLPLQ

ClinVar aggregate classification (germline): Uncertain significance. Review status: criteria provided, multiple submitters, no conflicts (2 of 4 stars). 2 submissions from 2 submitters: Uncertain significance (2). Last evaluated 2022-05-30.

Conditions:
Inborn genetic diseases. Identifiers: MedGen C0950123, MeSH D030342.

Allele frequency attached by ClinVar (database versions not stated): ExAC 0.00006; TOPMed 0.00014; 1000 Genomes Project 30x 0.00016; gnomAD 0.00016; 1000 Genomes Project 0.00020.
gnomAD v4.1: 43 of 1,612,006 alleles (0.0027%); highest among the groups gnomAD compares: African/African-American, 0.048%; no homozygotes.

Submissions (2):

Labcorp Genetics (formerly Invitae), Labcorp
Classification: Uncertain significance. Last evaluated: 2022-05-30. Review status: criteria provided, single submitter. Criteria: Invitae Variant Classification Sherloc (09022015). Collection method: clinical testing. Allele origin: germline.
Comment: This sequence change replaces isoleucine, which is neutral and non-polar, with valine, which is neutral and non-polar, at codon 145 of the DARS protein (p.Ile145Val). In summary, the available evidence is currently insufficient to determine the role of this variant in disease. Therefore, it has been classified as a Variant of Uncertain Significance. Algorithms developed to predict the effect of missense changes on protein structure and function (SIFT, PolyPhen-2, Align-GVGD) all suggest that this variant is likely to be tolerated. This variant has not been reported in the literature in individuals affected with DARS-related conditions. This variant is present in population databases (rs538622366, gnomAD 0.07%).

Ambry Genetics
Classification: Uncertain significance for Inborn genetic diseases. Last evaluated: 2022-02-24. Review status: criteria provided, single submitter. Criteria: Ambry Variant Classification Scheme 2023. Collection method: clinical testing. Allele origin: germline.